The following is an entry in ClinVar:

NM_000540.3(RYR1):c.4536C>A (p.Asp1512Glu)

Gene: RYR1 (ryanodine receptor 1; plus strand). Cytogenetic location: 19q13.2.
Variant type: single nucleotide variant.
Coding change: c.4536C>A on transcript NM_000540.3 (MANE Select); coding-DNA position 4536, C replaced by A.
Protein change: p.Asp1512Glu; replaces aspartic acid 1512 with glutamic acid.
Molecular consequence: missense variant.
Genome position (GRCh38, 1-based): chr19:38,478,516, C>A. VCF-style: chr19-38478516-C-A. GRCh37 (hg19) VCF-style: chr19-38969156-C-A.
Other names: c.4536C>A, p.Asp1512Glu (NM_001042723.2); short protein forms D1512E.
Identifiers: ClinVar variation 3730443 (VCV003730443.3).
Genomic context (GRCh38, chr19:38,478,516, plus strand): 5'-CATGGTGTGGGGCGGAGACTTTGTGAGTCCCGGGCAGCAGGGCCGGATCAGCCACACGGA[C>A]CTTGTCATTGGGTGCCTGGTGGACTTGGCCACTGGCTTAATGACCTTTACAGCCAATGGC-3'
Protein context (NP_000531.2, residues 1502-1522): PGQQGRISHT[Asp1512Glu]LVIGCLVDLA

ClinVar aggregate classification (germline): Uncertain significance. Review status: criteria provided, multiple submitters, no conflicts (2 of 4 stars). 2 submissions from 2 submitters: Uncertain significance (2). Last evaluated 2025-09-05.

Conditions:
Malignant hyperthermia, susceptibility to, 1 (MHS1). Also called: Anesthesia related hyperthermia; Malignant hyperpyrexia; Fulminating hyperpyrexia; Pharmacogenic myopathy; Malignant hyperthermia suceptibility 1; RYR1-Related Malignant Hyperthermia Susceptibility. Identifiers: Orphanet 423, MedGen C2930980, MONDO:0007783, OMIM 145600.
RYR1-related disorder. Also called: RYR1-related condition; RYR1-related disorders. Identifiers: MedGen CN239331.

gnomAD v4.1: 5 of 1,614,154 alleles (0.00031%); highest among the groups gnomAD compares: Non-Finnish European, 0.00034%; no homozygotes.

Submissions (2):

Color Diagnostics, LLC DBA Color Health
Classification: Uncertain significance for Malignant hyperthermia, susceptibility to, 1. Last evaluated: 2025-09-05. Review status: criteria provided, single submitter. Criteria: ACMG Guidelines, 2015. Collection method: clinical testing. Allele origin: germline.
Comment: This missense variant replaces aspartic acid with glutamic acid at codon 1512 of the RYR1 protein. Computational prediction suggests that this variant may not impact protein structure and function. To our knowledge, functional studies have not been reported for this variant. This variant has not been reported in individuals affected with RYR1-related disorders in the literature. This variant has not been identified in the general population by the Genome Aggregation Database (gnomAD). The available evidence is insufficient to determine the role of this variant in disease conclusively. Therefore, this variant is classified as a Variant of Uncertain Significance.

Labcorp Genetics (formerly Invitae), Labcorp
Classification: Uncertain significance for RYR1-related disorder. Last evaluated: 2024-05-22. Review status: criteria provided, single submitter. Criteria: Invitae Variant Classification Sherloc (09022015). Collection method: clinical testing. Allele origin: germline.
Comment: This sequence change replaces aspartic acid, which is acidic and polar, with glutamic acid, which is acidic and polar, at codon 1512 of the RYR1 protein (p.Asp1512Glu). This variant is not present in population databases (gnomAD no frequency). This variant has not been reported in the literature in individuals affected with RYR1-related conditions. Advanced modeling of protein sequence and biophysical properties (such as structural, functional, and spatial information, amino acid conservation, physicochemical variation, residue mobility, and thermodynamic stability) performed at Invitae indicates that this missense variant is not expected to disrupt RYR1 protein function with a negative predictive value of 95%. In summary, the available evidence is currently insufficient to determine the role of this variant in disease. Therefore, it has been classified as a Variant of Uncertain Significance.